The following is an entry in ClinVar:

ClinVar aggregate classification (germline): Uncertain significance. Review status: criteria provided, multiple submitters, no conflicts (2 of 4 stars). 4 submissions from 4 submitters: Uncertain significance (2). 2 of the submissions do not count toward it. Last evaluated 2024-05-07.

Conditions:
Familial Mediterranean fever (FMF). Also called: POLYSEROSITIS, FAMILIAL PAROXYSMAL; POLYSEROSITIS, RECURRENT; Periodic peritonitis; Benign paroxysmal peritonitis. Identifiers: Orphanet 342, MedGen C0031069, MONDO:0018088, OMIM 249100. Disease mechanism: gain of function.
Acute febrile neutrophilic dermatosis (AFND). Also called: Sweet Syndrome; Gomm Button disease. Identifiers: Orphanet 3243, MedGen C0085077, MONDO:0011959, OMIM 608068.
Familial Mediterranean fever, autosomal dominant. Also called: Dominant Familial Mediterranean Fever; FMF, AUTOSOMAL DOMINANT. Identifiers: Orphanet 342, MedGen C1851347, MONDO:0007601, OMIM 134610.

Allele frequency attached by ClinVar (database versions not stated): TOPMed 0.00004; gnomAD 0.00004 and 0.00003; gnomAD exomes 0.00005 and 0.00003; ESP Exome Variant Server 0.00023; ExAC 0.00003.
gnomAD v4.1: 55 of 1,614,060 alleles (0.0034%); highest among the groups gnomAD compares: South Asian, 0.019%; no homozygotes.

Submissions (4):

Fulgent Genetics
Classification: Uncertain significance for Familial Mediterranean fever, autosomal dominant; Familial Mediterranean fever; Acute febrile neutrophilic dermatosis. Last evaluated: 2024-05-07. Review status: criteria provided, single submitter. Criteria: ACMG Guidelines, 2015. Collection method: clinical testing. Allele origin: germline.

Labcorp Genetics (formerly Invitae), Labcorp
Classification: Uncertain significance for Familial Mediterranean fever. Last evaluated: 2022-03-23. Review status: criteria provided, single submitter. Criteria: Invitae Variant Classification Sherloc (09022015). Collection method: clinical testing. Allele origin: germline.
Comment: This sequence change replaces glutamic acid, which is acidic and polar, with lysine, which is basic and polar, at codon 22 of the MEFV protein (p.Glu22Lys). This variant is present in population databases (rs145289162, gnomAD 0.03%). This variant has not been reported in the literature in individuals affected with MEFV-related conditions. ClinVar contains an entry for this variant (Variation ID: 1026331). Algorithms developed to predict the effect of missense changes on protein structure and function are either unavailable or do not agree on the potential impact of this missense change (SIFT: "Deleterious"; PolyPhen-2: "Probably Damaging"; Align-GVGD: "Class C0"). In summary, the available evidence is currently insufficient to determine the role of this variant in disease. Therefore, it has been classified as a Variant of Uncertain Significance.

Molecular Genetics Laboratory, BC Children's and BC Women's Hospitals
Classification: Uncertain significance for Familial Mediterranean fever. Last evaluated: 2025-04-23. Review status: no assertion criteria provided. Criteria: ACMG Guidelines, 2015. Collection method: clinical testing. Allele origin: germline. Affected: yes. Not counted in ClinVar's aggregate classification.

Natera, Inc.
Classification: Uncertain significance for Familial Mediterranean fever. Last evaluated: 2020-11-10. Review status: no assertion criteria provided. Collection method: clinical testing. Allele origin: germline. Not counted in ClinVar's aggregate classification.

NM_000243.3(MEFV):c.64G>A (p.Glu22Lys)

Gene: MEFV (MEFV innate immunity regulator, pyrin; minus strand). Cytogenetic location: 16p13.3.
Variant type: single nucleotide variant.
Coding change: c.64G>A on transcript NM_000243.3 (MANE Select); coding-DNA position 64, G replaced by A.
Protein change: p.Glu22Lys; replaces glutamic acid 22 with lysine.
Molecular consequence: missense variant.
Genome position (GRCh38, 1-based): chr16:3,256,524, C>T on the plus strand (G>A on the coding strand, the complement: MEFV is on the minus strand). VCF-style: chr16-3256524-C-T. GRCh37 (hg19) VCF-style: chr16-3306524-C-T.
Other names: c.64G>A, p.Glu22Lys (NM_001198536.2); c.64G>A (NM_000243.2); short protein forms E22K.
Identifiers: ClinVar variation 1026331 (VCV001026331.12), dbSNP rs145289162, ClinGen allele CA7860544.